The following is an entry in ClinVar:

NM_003172.4(SURF1):c.400A>T (p.Met134Leu)

Gene: SURF1 (SURF1 cytochrome c oxidase assembly factor; minus strand). Cytogenetic location: 9q34.2.
Variant type: single nucleotide variant.
Coding change: c.400A>T on transcript NM_003172.4 (MANE Select); coding-DNA position 400, A replaced by T.
Protein change: p.Met134Leu; replaces methionine 134 with leucine.
Molecular consequence: missense variant.
Genome position (GRCh38, 1-based): chr9:133,353,864, T>A on the plus strand (A>T on the coding strand, the complement: SURF1 is on the minus strand). VCF-style: chr9-133353864-T-A. GRCh37 (hg19) VCF-style: chr9-136220719-T-A.
Other names: c.73A>T, p.Met25Leu (NM_001280787.1); short protein forms M134L, M25L.
Identifiers: ClinVar variation 1503767 (VCV001503767.5), dbSNP rs2119083514, ClinGen allele CA375694352.
Genomic context (GRCh38, chr9:133,353,864, plus strand): 5'-AGGAGATGAGGCCGCCCTCCCGGGCCTCCCGGACAGGGTCCACCATGGTCCGGGGCATCA[T>A]ATACAGCTCCTTGGAATGGTCAAAGCACCCCCTGACCTTCACTGGCCTATACTCCAGATT-3'
Protein context (NP_003163.1, residues 124-144): GCFDHSKELY[Met134Leu]MPRTMVDPVR

ClinVar aggregate classification (germline): Uncertain significance (1 of 4 stars; one submission).

Conditions:
Leigh syndrome (NULS). Also called: Subacute necrotizing encephalopathy; Necrotizing encephalopathy infantile subacute of Leigh; Leigh's necrotizing encephalopathy; Leigh's disease; Leigh Syndrome (mtDNA deletion); LEIGH SYNDROME, NUCLEAR. Identifiers: Orphanet 506, MedGen C2931891, MONDO:0009723, OMIM 256000.

Submission:

Labcorp Genetics (formerly Invitae), Labcorp
Classification: Uncertain significance for Leigh syndrome. Last evaluated: 2021-09-17. Review status: criteria provided, single submitter. Criteria: Invitae Variant Classification Sherloc (09022015). Collection method: clinical testing. Allele origin: germline.
Comment: This sequence change replaces methionine with leucine at codon 134 of the SURF1 protein (p.Met134Leu). The methionine residue is weakly conserved and there is a small physicochemical difference between methionine and leucine. This variant is not present in population databases (ExAC no frequency). This variant has not been reported in the literature in individuals with SURF1-related conditions. Algorithms developed to predict the effect of missense changes on protein structure and function (SIFT, PolyPhen-2, Align-GVGD) all suggest that this variant is likely to be tolerated, but these predictions have not been confirmed by published functional studies and their clinical significance is uncertain. In summary, the available evidence is currently insufficient to determine the role of this variant in disease. Therefore, it has been classified as a Variant of Uncertain Significance.